The following is an entry in ClinVar:

ClinVar aggregate classification (germline): Uncertain significance. Review status: criteria provided, multiple submitters, no conflicts (2 of 4 stars). 5 submissions from 4 submitters: Uncertain significance (5). Last evaluated 2024-10-30.

Conditions:
Cardiovascular phenotype. Identifiers: MedGen CN230736.
Hereditary cancer-predisposing syndrome. Also called: Hereditary Cancer Syndrome; Neoplastic Syndromes, Hereditary; Tumor predisposition; Hereditary neoplastic syndrome. Identifiers: Orphanet 140162, MedGen C0027672, MeSH D009386, MONDO:0015356.
Neurofibromatosis, type 1 (NF1). Also called: Neurofibromatosis, type I; VON RECKLINGHAUSEN DISEASE; NEUROFIBROMATOSIS, TYPE I, SOMATIC; Peripheral type neurofibromatosis. Identifiers: Orphanet 636, MedGen C0027831, MONDO:0018975, OMIM 162200. Disease mechanism: loss of function.

Allele frequency attached by ClinVar (database versions not stated): gnomAD exomes below 0.00001; TOPMed 0.00003.
gnomAD v4.1: 2 of 1,614,058 alleles (0.00012%); highest among the groups gnomAD compares: Non-Finnish European, 0.00017%; no homozygotes.

Submissions (5):

Labcorp Genetics (formerly Invitae), Labcorp
Classification: Uncertain significance for Neurofibromatosis, type 1. Last evaluated: 2024-10-30. Review status: criteria provided, single submitter. Criteria: Invitae Variant Classification Sherloc (09022015). Collection method: clinical testing. Allele origin: germline.
Comment: This sequence change replaces threonine, which is neutral and polar, with isoleucine, which is neutral and non-polar, at codon 2087 of the NF1 protein (p.Thr2087Ile). This variant is not present in population databases (gnomAD no frequency). This missense change has been observed in individual(s) with NF1 features (PMID: 33877690). Invitae Evidence Modeling of clinical and family history, age, sex, and reported ancestry of multiple individuals with this NF1 variant has been performed. This variant is expected to be benign with a negative predictive value of at least 95%. This is a validated machine learning model that incorporates the clinical features of 1,487,167 individuals referred to our laboratory for NF1 testing. ClinVar contains an entry for this variant (Variation ID: 231041). Invitae Evidence Modeling of protein sequence and biophysical properties (such as structural, functional, and spatial information, amino acid conservation, physicochemical variation, residue mobility, and thermodynamic stability) indicates that this missense variant is expected to disrupt NF1 protein function with a positive predictive value of 95%. In summary, the available evidence is currently insufficient to determine the role of this variant in disease. Therefore, it has been classified as a Variant of Uncertain Significance.

St. Jude Molecular Pathology, St. Jude Children's Research Hospital
Classification: Uncertain significance for Neurofibromatosis, type 1. Last evaluated: 2023-08-01. Review status: criteria provided, single submitter. Criteria: St. Jude Assertion Criteria 2020. Collection method: clinical testing. Allele origin: germline.
Comment: The NF1 c.6260C>T (p.Thr2087Ile) missense variant is absent in gnomAD v2.1.1. The in silico tool REVEL predicts a deleterious effect on protein function, but this prediction has not been confirmed by functional studies. This variant has not been reported in individuals with neurofibromatosis type 1. In summary, the evidence currently available is insufficient to determine the clinical significance of this variant. It has therefore been classified as of uncertain significance.

Ambry Genetics
Classification: Uncertain significance for Cardiovascular phenotype; Hereditary cancer-predisposing syndrome. Last evaluated: 2022-10-27. Review status: criteria provided, single submitter. Criteria: Ambry Variant Classification Scheme 2023. Collection method: clinical testing. Allele origin: germline.

Genome-Nilou Lab
Classification: Uncertain significance for Neurofibromatosis, type 1. Last evaluated: 2022-03-15. Review status: criteria provided, single submitter. Criteria: ACMG Guidelines, 2015. Collection method: clinical testing. Allele origin: germline. Affected: no.

Ambry Genetics
Classification: Uncertain significance for Hereditary cancer-predisposing syndrome. Last evaluated: 2015-09-28. Review status: criteria provided, single submitter. Criteria: Ambry Autosomal Dominant and X-Linked criteria (10/2015). Collection method: clinical testing. Allele origin: germline. Observed: 1 variant allele.
Comment: Thep.T2108Ivariant (also known as c.6323C>T), located in codingexon42 of theNF1gene, results from a C to T substitution at nucleotide position 6323. Thethreonineatcodon2108 is replaced byisoleucine, an amino acid with similar properties. This variant was not reported in population based cohorts in the following databases: Database of Single Nucleotide Polymorphisms (dbSNP), NHLBI Exome Sequencing Project (ESP), and 1000 Genomes Project. In the ESP, this variant was not observed in 6503 samples (13006 alleles) with coverage at this position. To date, this alteration has been detected with an allele frequency of approximately 0.003% (greater than 110000alleles tested) in our clinical cohort.This amino acid position is highly conserved in available vertebrate species. In addition, this alteration is predicted to be deleterious by in silico analysis. Since supporting evidence is limited at this time, the clinical significance of p.T2108Iremains unclear.

Literature cited by the submitters: PubMed 33877690 (cited by Labcorp Genetics (formerly Invitae), Labcorp).

NM_001042492.3(NF1):c.6323C>T (p.Thr2108Ile)

Gene: NF1 (neurofibromin 1; plus strand). Cytogenetic location: 17q11.2.
Variant type: single nucleotide variant.
Coding change: c.6323C>T on transcript NM_001042492.3 (MANE Select); coding-DNA position 6323, C replaced by T.
Protein change: p.Thr2108Ile; replaces threonine 2108 with isoleucine.
Molecular consequence: missense variant.
Genome position (GRCh38, 1-based): chr17:31,336,810, C>T. VCF-style: chr17-31336810-C-T. GRCh37 (hg19) VCF-style: chr17-29663828-C-T.
Other names: c.6260C>T, p.Thr2087Ile (NM_000267.4); short protein forms T2087I, T2108I.
Identifiers: ClinVar variation 231041 (VCV000231041.12), dbSNP rs876658920, ClinGen allele CA10580376.